The following is an entry in ClinVar:

NM_144670.6(A2ML1):c.2249A>C (p.Glu750Ala)

Gene: A2ML1 (alpha-2-macroglobulin like 1; plus strand). Cytogenetic location: 12p13.31.
Variant type: single nucleotide variant.
Coding change: c.2249A>C on transcript NM_144670.6 (MANE Select); coding-DNA position 2249, A replaced by C.
Protein change: p.Glu750Ala; replaces glutamic acid 750 with alanine.
Molecular consequence: missense variant.
Genome position (GRCh38, 1-based): chr12:8,851,798, A>C. VCF-style: chr12-8851798-A-C. GRCh37 (hg19) VCF-style: chr12-9004394-A-C.
Other names: c.776A>C, p.Glu259Ala (NM_001282424.3); c.2249A>C (NM_144670.3); short protein forms E750A, E259A.
Identifiers: ClinVar variation 506646 (VCV000506646.44), dbSNP rs200618482, ClinGen allele CA6435966.

ClinVar aggregate classification (germline): Conflicting classifications of pathogenicity. Review status: criteria provided, conflicting classifications (1 of 4 stars). 10 submissions from 10 submitters: Uncertain significance (1); Benign (3); Likely benign (3). 3 of the submissions do not count toward it. Last evaluated 2026-02-03.

Conditions:
A2ML1-related disorder. Also called: A2ML1-related condition.

Allele frequency attached by ClinVar (database versions not stated): 1000 Genomes Project 30x 0.00047; ESP Exome Variant Server 0.00056; 1000 Genomes Project 0.00060; gnomAD 0.00070 and 0.00080; gnomAD exomes 0.00074 and 0.00099; TOPMed 0.00089; ExAC 0.00102.
gnomAD v4.1: 1,236 of 1,614,060 alleles (0.077%); highest among the groups gnomAD compares: Middle Eastern, 0.86%; 9 homozygotes.

Submissions (10):

Labcorp Genetics (formerly Invitae), Labcorp
Classification: Likely benign. Last evaluated: 2026-02-03. Review status: criteria provided, single submitter. Criteria: Invitae Variant Classification Sherloc (09022015). Collection method: clinical testing. Allele origin: germline.

Ambry Genetics
Classification: Uncertain significance. Last evaluated: 2025-03-02. Review status: criteria provided, single submitter. Criteria: Ambry Variant Classification Scheme 2023. Collection method: clinical testing. Allele origin: germline.
Comment: The p.E750A variant (also known as c.2249A>C), located in coding exon 19 of the A2ML1 gene, results from an A to C substitution at nucleotide position 2249. The glutamic acid at codon 750 is replaced by alanine, an amino acid with dissimilar properties. This amino acid position is conserved. In addition, this alteration is predicted to be tolerated by in silico analysis. Since supporting evidence is limited at this time, the clinical significance of this alteration remains unclear.

Blueprint Genetics
Classification: Likely benign. Last evaluated: 2024-11-15. Review status: criteria provided, single submitter. Criteria: ACMG Guidelines, 2015. Collection method: clinical testing. Allele origin: germline.

CeGaT Center for Human Genetics Tuebingen
Classification: Benign. Last evaluated: 2022-09-01. Review status: criteria provided, single submitter. Criteria: CeGaT Center For Human Genetics Tuebingen Variant Classification Criteria Version 2. Collection method: clinical testing. Allele origin: germline. Affected: yes. Observed: 1 variant allele.
Comment: A2ML1: BS1, BS2

Women's Health and Genetics/Laboratory Corporation of America, LabCorp
Classification: Benign. Last evaluated: 2020-01-27. Review status: criteria provided, single submitter. Criteria: LabCorp Variant Classification Summary - May 2015. Collection method: clinical testing. Allele origin: germline.
Comment: Variant summary: A2ML1 c.2249A>C (p.Glu750Ala) results in a non-conservative amino acid change located in the Alpha-2-macroglobulin domain (IPR001599) of the encoded protein sequence. Four of five in-silico tools predict a benign effect of the variant on protein function. The variant allele was found at a frequency of 0.00099 in 249448 control chromosomes, predominantly at a frequency of 0.0027 within the South Asian subpopulation in the gnomAD database, including 1 homozygotes. The observed variant frequency within South Asian control individuals in the gnomAD database is approximately 675 fold of the estimated maximal expected allele frequency for a pathogenic variant in A2ML1 causing Noonan Syndrome phenotype (4e-06), strongly suggesting that the variant is a benign polymorphism found primarily in populations of South Asian origin. To our knowledge, no occurrence of c.2249A>C in individuals affected with Noonan Syndrome and no experimental evidence demonstrating its impact on protein function have been reported. Two ClinVar submitters (evaluation after 2014) cite the variant as benign/likely benign. Based on the evidence outlined above, the variant was classified as benign.

GeneDx
Classification: Benign. Last evaluated: 2017-11-28. Review status: criteria provided, single submitter. Criteria: GeneDx Variant Classification (06012015). Collection method: clinical testing. Allele origin: germline. Affected: yes.
Comment: This variant is considered likely benign or benign based on one or more of the following criteria: it is a conservative change, it occurs at a poorly conserved position in the protein, it is predicted to be benign by multiple in silico algorithms, and/or has population frequency not consistent with disease.

Breakthrough Genomics
Classification: Likely benign. Review status: criteria provided, single submitter. Criteria: ACMG Guidelines, 2015. Collection method: not provided. Allele origin: germline. Inheritance: Autosomal dominant inheritance. Affected: yes.

PreventionGenetics, part of Exact Sciences
Classification: Benign for A2ML1-related condition. Last evaluated: 2019-09-06. Review status: no assertion criteria provided. Collection method: clinical testing. Allele origin: germline. Not counted in ClinVar's aggregate classification.
Comment: This variant is classified as benign based on ACMG/AMP sequence variant interpretation guidelines (Richards et al. 2015 PMID: 25741868, with internal and published modifications).

Clinical Genetics DNA and cytogenetics Diagnostics Lab, Erasmus MC, Erasmus Medical Center
Classification: Likely benign. Review status: no assertion criteria provided. Collection method: clinical testing. Allele origin: germline. Affected: yes. Study: VKGL Data-share Consensus. Not counted in ClinVar's aggregate classification.

Joint Genome Diagnostic Labs from Nijmegen and Maastricht, Radboudumc and MUMC+
Classification: Likely benign. Review status: no assertion criteria provided. Collection method: clinical testing. Allele origin: germline. Affected: yes. Study: VKGL Data-share Consensus. Not counted in ClinVar's aggregate classification.